The following is an entry in ClinVar:

NM_004855.5(PIGB):c.846+5_846+8del

Gene: PIGB (phosphatidylinositol glycan anchor biosynthesis class B; plus strand). Cytogenetic location: 15q21.3.
Variant type: Microsatellite.
Coding change: c.846+5_846+8del on transcript NM_004855.5 (MANE Select); bases 5 to 8 of the intron after coding-DNA position 846, 4 bases deleted (GTAA; older notation c.846+5_846+8delGTAA).
Molecular consequence: splice donor variant.
Genome position (GRCh38, 1-based): chr15:55,339,323-55,339,326, GTAA deleted; deleting any 4 consecutive bases within chr15:55,339,317-55,339,326 gives the same sequence; the c. name uses the placement nearest the transcript's 3' end. VCF-style (leftmost placement, unchanged base first): chr15-55339316-CAAGT-C. GRCh37 (hg19) VCF-style: chr15-55631514-CAAGT-C.
Identifiers: ClinVar variation 1998225 (VCV001998225.4), dbSNP rs1390369589, ClinGen allele CA618070802.
Genomic context (GRCh38, chr15:55,339,316, plus strand): 5'-TTGTTTTTCAGCTTTGTTACTTTGAGTTTGTCTCTGATGATTGATCGTATTTTTTTTGGC[CAAGT>C]AAGTAAAAGTATATTAAGCTAACAGCTATTTTTATTTTTAATCCATTAATACTTTAGAAC-3'

ClinVar aggregate classification (germline): Uncertain significance (1 of 4 stars; one submission).

Submission:

Labcorp Genetics (formerly Invitae), Labcorp
Classification: Uncertain significance. Last evaluated: 2022-12-28. Review status: criteria provided, single submitter. Criteria: Invitae Variant Classification Sherloc (09022015). Collection method: clinical testing. Allele origin: germline.
Comment: This sequence change falls in intron 7 of the PIGB gene. It does not directly change the encoded amino acid sequence of the PIGB protein. It affects a nucleotide within the consensus splice site. This variant is present in population databases (no rsID available, gnomAD 0.002%). In summary, the available evidence is currently insufficient to determine the role of this variant in disease. Therefore, it has been classified as a Variant of Uncertain Significance. Variants that disrupt the consensus splice site are a relatively common cause of aberrant splicing (PMID: 17576681, 9536098). Algorithms developed to predict the effect of sequence changes on RNA splicing suggest that this variant may disrupt the consensus splice site. This variant has not been reported in the literature in individuals affected with PIGB-related conditions.

Literature cited by the submitters: PubMed 17576681; PubMed 9536098.